The following is an entry in ClinVar:

ClinVar aggregate classification (germline): Uncertain significance (1 of 4 stars; one submission).

gnomAD v4.1: 20 of 1,550,124 alleles (0.0013%); highest among the groups gnomAD compares: Non-Finnish European, 0.0017%; no homozygotes.

Submission:

GeneDx
Classification: Uncertain significance. Last evaluated: 2024-05-02. Review status: criteria provided, single submitter. Criteria: GeneDx Variant Classification Process June 2021. Collection method: clinical testing. Allele origin: germline. Affected: yes.
Comment: Not observed at significant frequency in large population cohorts (gnomAD); Missense variant in a gene in which most reported pathogenic variants are truncating/loss of function; Has not been previously published as pathogenic or benign to our knowledge

NM_001267550.2(TTN):c.39929A>G (p.Lys13310Arg)

Gene: TTN (titin; minus strand). Cytogenetic location: 2q31.2.
Variant type: single nucleotide variant.
Coding change: c.39929A>G on transcript NM_001267550.2 (MANE Select); coding-DNA position 39929, A replaced by G.
Protein change: p.Lys13310Arg; replaces lysine 13310 with arginine.
Molecular consequence: missense variant. On other transcripts: intron variant (5).
Genome position (GRCh38, 1-based): chr2:178,649,598, T>C on the plus strand (A>G on the coding strand, the complement: TTN is on the minus strand). VCF-style: chr2-178649598-T-C. GRCh37 (hg19) VCF-style: chr2-179514325-T-C.
Other names: c.13283-7281A>G (NM_003319.4); c.13859-7281A>G (NM_133437.4); c.13658-7281A>G (NM_133432.3); c.32593+219A>G (NM_133378.4); c.35374+219A>G (NM_001256850.1); short protein forms K13310R.
Identifiers: ClinVar variation 3373419 (VCV003373419.1).